The following is an entry in ClinVar:

ClinVar aggregate classification (germline): Likely benign. Review status: criteria provided, multiple submitters, no conflicts (2 of 4 stars). 2 submissions from 2 submitters: Likely benign (2). Last evaluated 2022-11-23.

Conditions:
Autosomal recessive limb-girdle muscular dystrophy type 2J (LGMDR10). Also called: Limb-girdle muscular dystrophy, type 2J; MUSCULAR DYSTROPHY, LIMB-GIRDLE, AUTOSOMAL RECESSIVE 10. Identifiers: Orphanet 140922, MedGen C1837342, MONDO:0012127, OMIM 608807.
Dilated cardiomyopathy 1G (CMD1G). Identifiers: Orphanet 154, MedGen C1858763, MONDO:0011400, OMIM 604145.

Allele frequency attached by ClinVar (database versions not stated): gnomAD exomes below 0.00001.
gnomAD v4.1: 1 of 1,614,132 alleles (0.000062%); highest among the groups gnomAD compares: Non-Finnish European, 0.000085%; no homozygotes.

Submissions (2):

Labcorp Genetics (formerly Invitae), Labcorp
Classification: Likely benign for Dilated cardiomyopathy 1G; Autosomal recessive limb-girdle muscular dystrophy type 2J. Last evaluated: 2022-11-23. Review status: criteria provided, single submitter. Criteria: Invitae Variant Classification Sherloc (09022015). Collection method: clinical testing. Allele origin: germline.

Laboratory for Molecular Medicine, Mass General Brigham Personalized Medicine
Classification: Likely benign. Last evaluated: 2015-05-01. Review status: criteria provided, single submitter. Criteria: LMM Criteria. Collection method: clinical testing. Allele origin: germline. Observed: 1 variant allele.
Comment: p.Pro1076Pro in exon 20 of TTN: This variant is not expected to have clinical si gnificance because it does not alter an amino acid residue and is not located wi thin the splice consensus sequence.

NM_001267550.2(TTN):c.3228T>C (p.Pro1076=)

Gene: TTN (titin; minus strand). Cytogenetic location: 2q31.2.
Variant type: single nucleotide variant.
Coding change: c.3228T>C on transcript NM_001267550.2 (MANE Select); coding-DNA position 3228, T replaced by C.
Protein change: p.Pro1076=; no amino-acid change (proline 1076 retained).
Molecular consequence: synonymous variant.
Genome position (GRCh38, 1-based): chr2:178,782,364, A>G on the plus strand (T>C on the coding strand, the complement: TTN is on the minus strand). VCF-style: chr2-178782364-A-G. GRCh37 (hg19) VCF-style: chr2-179647091-A-G.
Other names: c.3228T>C, p.Pro1076= (NM_133378.4, NM_001256850.1, NM_133379.5); c.3090T>C, p.Pro1030= (NM_003319.4, NM_133432.3, NM_133437.4).
Identifiers: ClinVar variation 228088 (VCV000228088.8), dbSNP rs876657604, ClinGen allele CA10576577.